The following is an entry in ClinVar:

ClinVar aggregate classification (germline): Conflicting classifications of pathogenicity. Review status: criteria provided, conflicting classifications (1 of 4 stars). 3 submissions from 3 submitters: Uncertain significance (2); Likely benign (1). Last evaluated 2025-09-22.

Conditions:
Hereditary cancer-predisposing syndrome. Also called: Tumor predisposition; Neoplastic Syndromes, Hereditary; Hereditary neoplastic syndrome; Hereditary Cancer Syndrome. Identifiers: Orphanet 140162, MedGen C0027672, MeSH D009386, MONDO:0015356.
Hereditary breast ovarian cancer syndrome. Also called: BRCA1- and BRCA2-Associated Hereditary Breast and Ovarian Cancer; Hereditary breast and/or ovarian cancer syndrome; Hereditary breast and ovarian cancer syndrome; Hereditary breast and ovarian cancer; Hereditary breast and ovarian cancer syndrome (HBOC); Breast and ovarian cancer. Identifiers: Orphanet 145, MedGen C0677776, MeSH D061325, MONDO:0003582. Disease mechanism: loss of function.

gnomAD v4.1: 1 of 1,612,560 alleles (0.000062%); no homozygotes.

Submissions (3):

Color Diagnostics, LLC DBA Color Health
Classification: Uncertain significance for Hereditary cancer-predisposing syndrome. Last evaluated: 2025-09-22. Review status: criteria provided, single submitter. Criteria: ACMG Guidelines, 2015. Collection method: clinical testing. Allele origin: germline.
Comment: This missense variant replaces aspartic acid with histidine at codon 980 of the BRCA2 protein. Computational prediction suggests that this variant may not impact protein structure and function. To our knowledge, functional studies have not been reported for this variant. This variant has not been reported in individuals affected with BRCA2-related disorders in the literature. This variant has not been identified in the general population by the Genome Aggregation Database (gnomAD). The available evidence is insufficient to determine the role of this variant in disease conclusively. Therefore, this variant is classified as a Variant of Uncertain Significance.

University of Washington Department of Laboratory Medicine, University of Washington
Classification: Likely benign for Hereditary cancer-predisposing syndrome. Last evaluated: 2023-03-23. Review status: criteria provided, single submitter. Criteria: Dines et al. (Genet Med. 2020). Collection method: curation. Allele origin: germline.
Comment: Missense variant in a coldspot region where missense variants are very unlikely to be pathogenic (PMID:31911673).

BRCA2 exon 11 coldspot. Reclassification based on statistical prior probability.

Labcorp Genetics (formerly Invitae), Labcorp
Classification: Uncertain significance for Hereditary breast ovarian cancer syndrome. Last evaluated: 2020-03-04. Review status: criteria provided, single submitter. Criteria: Invitae Variant Classification Sherloc (09022015). Collection method: clinical testing. Allele origin: germline.
Comment: Algorithms developed to predict the effect of missense changes on protein structure and function (SIFT, PolyPhen-2, Align-GVGD) all suggest that this variant is likely to be tolerated, but these predictions have not been confirmed by published functional studies and their clinical significance is uncertain. This variant has not been reported in the literature in individuals with BRCA2-related conditions. This variant is not present in population databases (ExAC no frequency). This sequence change replaces aspartic acid with histidine at codon 980 of the BRCA2 protein (p.Asp980His). The aspartic acid residue is weakly conserved and there is a moderate physicochemical difference between aspartic acid and histidine. In summary, the available evidence is currently insufficient to determine the role of this variant in disease. Therefore, it has been classified as a Variant of Uncertain Significance.

NM_000059.4(BRCA2):c.2938G>C (p.Asp980His)

Gene: BRCA2 (BRCA2 DNA repair associated; plus strand). Cytogenetic location: 13q13.1.
Variant type: single nucleotide variant.
Coding change: c.2938G>C on transcript NM_000059.4 (MANE Select); coding-DNA position 2938, G replaced by C.
Protein change: p.Asp980His; replaces aspartic acid 980 with histidine.
Molecular consequence: missense variant.
Genome position (GRCh38, 1-based): chr13:32,337,293, G>C. VCF-style: chr13-32337293-G-C. GRCh37 (hg19) VCF-style: chr13-32911430-G-C.
Other names: short protein forms D980H.
Identifiers: ClinVar variation 1016745 (VCV001016745.10), dbSNP rs397507298, ClinGen allele CA387774286.
Genomic context (GRCh38, chr13:32,337,293, plus strand): 5'-AAGCAGCATATAAAAATGACTCTAGGTCAAGATTTAAAATCGGACATCTCCTTGAATATA[G>C]ATAAAATACCAGAAAAAAATAATGATTACATGAACAAATGGGCAGGACTCTTAGGTCCAA-3'
Protein context (NP_000050.3, residues 970-990): DLKSDISLNI[Asp980His]KIPEKNNDYM